The following is an entry in ClinVar:

NM_000632.4(ITGAM):c.599T>G (p.Phe200Cys)

Gene: ITGAM (integrin subunit alpha M; plus strand). Cytogenetic location: 16p11.2.
Variant type: single nucleotide variant.
Coding change: c.599T>G on transcript NM_000632.4 (MANE Select); coding-DNA position 599, T replaced by G.
Protein change: p.Phe200Cys; replaces phenylalanine 200 with cysteine.
Molecular consequence: missense variant.
Genome position (GRCh38, 1-based): chr16:31,271,887, T>G. VCF-style: chr16-31271887-T-G. GRCh37 (hg19) VCF-style: chr16-31283208-T-G.
Other names: c.599T>G, p.Phe200Cys (NM_001145808.2); short protein forms F200C.
Identifiers: ClinVar variation 1375816 (VCV001375816.8), dbSNP rs2144287887, ClinGen allele CA395691528.

ClinVar aggregate classification (germline): Uncertain significance (1 of 4 stars; one submission).

Submission:

Labcorp Genetics (formerly Invitae), Labcorp
Classification: Uncertain significance. Last evaluated: 2021-03-10. Review status: criteria provided, single submitter. Criteria: Invitae Variant Classification Sherloc (09022015). Collection method: clinical testing. Allele origin: germline.
Comment: In summary, the available evidence is currently insufficient to determine the role of this variant in disease. Therefore, it has been classified as a Variant of Uncertain Significance. Algorithms developed to predict the effect of sequence changes on RNA splicing suggest that this variant may create or strengthen a splice site, but this prediction has not been confirmed by published transcriptional studies. Algorithms developed to predict the effect of missense changes on protein structure and function (SIFT, PolyPhen-2, Align-GVGD) all suggest that this variant is likely to be disruptive, but these predictions have not been confirmed by published functional studies and their clinical significance is uncertain. This variant has not been reported in the literature in individuals with ITGAM-related conditions. This variant is not present in population databases (ExAC no frequency). This sequence change replaces phenylalanine with cysteine at codon 200 of the ITGAM protein (p.Phe200Cys). The phenylalanine residue is highly conserved and there is a large physicochemical difference between phenylalanine and cysteine.